The following is an entry in ClinVar:

NM_139242.4(MTFMT):c.813+191G>C

Gene: MTFMT (mitochondrial methionyl-tRNA formyltransferase; minus strand). Cytogenetic location: 15q22.31.
Variant type: single nucleotide variant.
Coding change: c.813+191G>C on transcript NM_139242.4 (MANE Select); 191 bases into the intron after coding-DNA position 813, G replaced by C.
Molecular consequence: intron variant.
Genome position (GRCh38, 1-based): chr15:65,016,245, C>G on the plus strand (G>C on the coding strand, the complement: MTFMT is on the minus strand). VCF-style: chr15-65016245-C-G. GRCh37 (hg19) VCF-style: chr15-65308583-C-G.
Identifiers: ClinVar variation 684265 (VCV000684265.2), dbSNP rs34348990, ClinGen allele CA15850863.

ClinVar aggregate classification (germline): Benign. Review status: criteria provided, multiple submitters, no conflicts (2 of 4 stars). 2 submissions from 2 submitters: Benign (2). Last evaluated 2018-06-14.

Allele frequency attached by ClinVar (database versions not stated): 1000 Genomes Project 0.26857; 1000 Genomes Project 30x 0.27374; TOPMed 0.31931.
gnomAD v4.1: 169,293 of 442,094 alleles (38%); highest among the groups gnomAD compares: South Asian, 51%; 36,231 homozygotes.

Submissions (2):

GeneDx
Classification: Benign. Last evaluated: 2018-06-14. Review status: criteria provided, single submitter. Criteria: GeneDx Variant Classification (06012015). Collection method: clinical testing. Allele origin: germline. Affected: yes.
Comment: This variant is considered likely benign or benign based on one or more of the following criteria: it is a conservative change, it occurs at a poorly conserved position in the protein, it is predicted to be benign by multiple in silico algorithms, and/or has population frequency not consistent with disease.

Breakthrough Genomics
Classification: Benign. Review status: criteria provided, single submitter. Criteria: ACMG Guidelines, 2015. Collection method: not provided. Allele origin: germline. Inheritance: Autosomal recessive inheritance. Affected: yes.